The following is an entry in ClinVar:

NM_001035.3(RYR2):c.5662C>T (p.Arg1888Trp)

Gene: RYR2 (ryanodine receptor 2; plus strand). Cytogenetic location: 1q43.
Variant type: single nucleotide variant.
Coding change: c.5662C>T on transcript NM_001035.3 (MANE Select); coding-DNA position 5662, C replaced by T.
Protein change: p.Arg1888Trp; replaces arginine 1888 with tryptophan.
Molecular consequence: missense variant.
Genome position (GRCh38, 1-based): chr1:237,614,790, C>T. VCF-style: chr1-237614790-C-T. GRCh37 (hg19) VCF-style: chr1-237778090-C-T.
Other names: short protein forms R1888W.
Identifiers: ClinVar variation 1315719 (VCV001315719.9), dbSNP rs1006109370, ClinGen allele CA39828812.

ClinVar aggregate classification (germline): Conflicting classifications of pathogenicity. Review status: criteria provided, conflicting classifications (1 of 4 stars). 5 submissions from 5 submitters: Uncertain significance (3); Benign (1); Likely benign (1). Last evaluated 2025-08-26.

Conditions:
Catecholaminergic polymorphic ventricular tachycardia 1. Also called: RYR2-Related Catecholaminergic Polymorphic Ventricular Tachycardia; VENTRICULAR TACHYCARDIA, CATECHOLAMINERGIC POLYMORPHIC, 1, WITH OR WITHOUT ATRIAL DYSFUNCTION AND/OR DILATED CARDIOMYOPATHY; VENTRICULAR TACHYCARDIA, STRESS-INDUCED POLYMORPHIC 1. Identifiers: Orphanet 3286, MedGen C1631597, MONDO:0011484, OMIM 604772.
Cardiovascular phenotype. Identifiers: MedGen CN230736.
Cardiomyopathy (CMYO). Also called: Cardiomyopathies. Identifiers: Orphanet 167848, MedGen C0878544, MONDO:0004994, HP:0001638. Inheritance: Various modes of inheritance.
Arrhythmogenic right ventricular dysplasia 2. Identifiers: MedGen C1832931.
Ventricular arrhythmias due to cardiac ryanodine receptor calcium release deficiency syndrome. Also called: Autosomal dominant cardiac arrhythmia (Kuhn). Identifiers: MedGen C5542154, MONDO:0020745, OMIM 115000.

Allele frequency attached by ClinVar (database versions not stated): TOPMed 0.00002; gnomAD 0.00003 and 0.00004.
gnomAD v4.1: 19 of 1,607,570 alleles (0.0012%); highest among the groups gnomAD compares: African/African-American, 0.0053%; no homozygotes.

Submissions (5):

Color Diagnostics, LLC DBA Color Health
Classification: Likely benign for Cardiomyopathy. Last evaluated: 2025-08-26. Review status: criteria provided, single submitter. Criteria: ACMG Guidelines, 2015. Collection method: clinical testing. Allele origin: germline.

Labcorp Genetics (formerly Invitae), Labcorp
Classification: Benign for Catecholaminergic polymorphic ventricular tachycardia 1. Last evaluated: 2024-10-03. Review status: criteria provided, single submitter. Criteria: Invitae Variant Classification Sherloc (09022015). Collection method: clinical testing. Allele origin: germline.

Fulgent Genetics
Classification: Uncertain significance for Ventricular arrhythmias due to cardiac ryanodine receptor calcium release deficiency syndrome; Catecholaminergic polymorphic ventricular tachycardia 1. Last evaluated: 2021-10-26. Review status: criteria provided, single submitter. Criteria: ACMG Guidelines, 2015. Collection method: clinical testing. Allele origin: unknown.

Ambry Genetics
Classification: Uncertain significance for Cardiovascular phenotype. Last evaluated: 2020-08-03. Review status: criteria provided, single submitter. Criteria: Ambry Variant Classification Scheme 2023. Collection method: clinical testing. Allele origin: germline.
Comment: The p.R1888W variant (also known as c.5662C>T), located in coding exon 37 of the RYR2 gene, results from a C to T substitution at nucleotide position 5662. The arginine at codon 1888 is replaced by tryptophan, an amino acid with dissimilar properties. This amino acid position is not well conserved in available vertebrate species. In addition, this alteration is predicted to be tolerated by in silico analysis. Since supporting evidence is limited at this time, the clinical significance of this alteration remains unclear.

GeneDx
Classification: Uncertain significance. Last evaluated: 2019-05-22. Review status: criteria provided, single submitter. Criteria: GeneDx Variant Classification Process June 2021. Collection method: clinical testing. Allele origin: germline. Affected: yes.
Comment: Reported in one individual with HCM (Lopes et al., 2015); however, additional clinical details or segregation studies were not described; Not observed at a significant frequency in large population cohorts (Lek et al., 2016); Is not located in one of the three hot-spot regions of the RYR2 gene, where the majority of pathogenic missense variants occur (Medeiros-Domingo et al., 2009); In silico analysis, which includes protein predictors and evolutionary conservation, supports that this variant does not alter protein structure/function; This variant is associated with the following publications: (PMID: 25351510)